The following is an entry in ClinVar:

NM_198428.3(BBS9):c.565C>T (p.Arg189Cys)

Gene: BBS9 (Bardet-Biedl syndrome 9; plus strand). Cytogenetic location: 7p14.3.
Variant type: single nucleotide variant.
Coding change: c.565C>T on transcript NM_198428.3 (MANE Select); coding-DNA position 565, C replaced by T.
Protein change: p.Arg189Cys; replaces arginine 189 with cysteine.
Molecular consequence: missense variant. On other transcripts: non-coding transcript variant (3).
Genome position (GRCh38, 1-based): chr7:33,257,358, C>T. VCF-style: chr7-33257358-C-T. GRCh37 (hg19) VCF-style: chr7-33296970-C-T.
Other names: c.565C>T, p.Arg189Cys (NM_001033604.2, NM_001033605.2, NM_001348036.1 and 5 more transcripts); c.199C>T, p.Arg67Cys (NM_001348037.3, NM_001348044.3, NM_001348045.3 and 1 more transcripts); c.292C>T, p.Arg98Cys (NM_001348038.3, NM_001348039.3); c.430C>T, p.Arg144Cys (NM_001348042.3); short protein forms R67C, R144C, R189C, R98C.
Identifiers: ClinVar variation 864162 (VCV000864162.8), dbSNP rs776941068, ClinGen allele CA4214038.

ClinVar aggregate classification (germline): Uncertain significance. Review status: criteria provided, single submitter (1 of 4 stars). 2 submissions from 2 submitters: Uncertain significance (1). 1 of the submissions does not count toward it. Last evaluated 2022-07-05.

Conditions:
Bardet-Biedl syndrome (BBS). Identifiers: Orphanet 110, MedGen C0752166, MONDO:0015229.
BBS9-related disorder. Also called: BBS9-related condition.

Allele frequency attached by ClinVar (database versions not stated): TOPMed 0.00001; ExAC 0.00002; gnomAD exomes 0.00002.
gnomAD v4.1: 24 of 1,613,868 alleles (0.0015%); highest among the groups gnomAD compares: Non-Finnish European, 0.0019%; no homozygotes.

Submissions (2):

Labcorp Genetics (formerly Invitae), Labcorp
Classification: Uncertain significance for Bardet-Biedl syndrome. Last evaluated: 2022-07-05. Review status: criteria provided, single submitter. Criteria: Invitae Variant Classification Sherloc (09022015). Collection method: clinical testing. Allele origin: germline.
Comment: This sequence change replaces arginine, which is basic and polar, with cysteine, which is neutral and slightly polar, at codon 189 of the BBS9 protein (p.Arg189Cys). This variant is present in population databases (rs776941068, gnomAD 0.004%). This variant has not been reported in the literature in individuals affected with BBS9-related conditions. ClinVar contains an entry for this variant (Variation ID: 864162). Algorithms developed to predict the effect of missense changes on protein structure and function (SIFT, PolyPhen-2, Align-GVGD) all suggest that this variant is likely to be disruptive. In summary, the available evidence is currently insufficient to determine the role of this variant in disease. Therefore, it has been classified as a Variant of Uncertain Significance.

PreventionGenetics, part of Exact Sciences
Classification: Uncertain significance for BBS9-related condition. Last evaluated: 2023-12-20. Review status: no assertion criteria provided. Collection method: clinical testing. Allele origin: germline. Not counted in ClinVar's aggregate classification.
Comment: The BBS9 c.565C>T variant is predicted to result in the amino acid substitution p.Arg189Cys. To our knowledge, this variant has not been reported in the literature. This variant is reported in 0.0035% of alleles in individuals of European (Non-Finnish) descent in gnomAD. At this time, the clinical significance of this variant is uncertain due to the absence of conclusive functional and genetic evidence.